The following is an entry in ClinVar:

ClinVar aggregate classification (germline): Uncertain significance (1 of 4 stars; one submission).

Submission:

Labcorp Genetics (formerly Invitae), Labcorp
Classification: Uncertain significance. Last evaluated: 2025-12-05. Review status: criteria provided, single submitter. Criteria: Invitae Variant Classification Sherloc (09022015). Collection method: clinical testing. Allele origin: germline.
Comment: This sequence change replaces glutamine, which is neutral and polar, with arginine, which is basic and polar, at codon 120 of the PPP2R5D protein (p.Gln120Arg). This variant is not present in population databases (gnomAD no frequency). This variant has not been reported in the literature in individuals affected with PPP2R5D-related conditions. An algorithm developed to predict the effect of missense changes on protein structure and function (PolyPhen-2) suggests that this variant is likely to be tolerated. In summary, the available evidence is currently insufficient to determine the role of this variant in disease. Therefore, it has been classified as a Variant of Uncertain Significance.

NM_006245.4(PPP2R5D):c.359A>G (p.Gln120Arg)

Gene: PPP2R5D (protein phosphatase 2 regulatory subunit B'delta; plus strand). Cytogenetic location: 6p21.1.
Variant type: single nucleotide variant.
Coding change: c.359A>G on transcript NM_006245.4 (MANE Select); coding-DNA position 359, A replaced by G.
Protein change: p.Gln120Arg; replaces glutamine 120 with arginine.
Molecular consequence: missense variant. On other transcripts: 5 prime UTR variant (1).
Genome position (GRCh38, 1-based): chr6:43,006,947, A>G. VCF-style: chr6-43006947-A-G. GRCh37 (hg19) VCF-style: chr6-42974685-A-G.
Other names: c.-95A>G (NM_001270476.2); c.263A>G, p.Gln88Arg (NM_180976.3); c.41A>G, p.Gln14Arg (NM_180977.3); short protein forms Q88R, Q120R, Q14R.
Identifiers: ClinVar variation 4732589 (VCV004732589.1).
Genomic context (GRCh38, chr6:43,006,947, plus strand): 5'-ACCTGACTGCTGGGGCCCCCACAGATTCGCCAACCCAGGAGCGGGAGGAGCTGTTTATCC[A>G]GAAGCTACGCCAGTGCTGTGTCCTCTTTGACTTCGTGTCAGACCCACTCAGTGACCTCAA-3'
Protein context (NP_006236.1, residues 110-130): PTQEREELFI[Gln120Arg]KLRQCCVLFD